The following is an entry in ClinVar:

ClinVar aggregate classification (germline): Uncertain significance. Review status: criteria provided, multiple submitters, no conflicts (2 of 4 stars). 3 submissions from 3 submitters: Uncertain significance (2). 1 of the submissions does not count toward it. Last evaluated 2025-08-19.

Conditions:
Inborn genetic diseases. Identifiers: MedGen C0950123, MeSH D030342.
Alpha-N-acetylgalactosaminidase deficiency type 1. Also called: SCHINDLER DISEASE, TYPE I; ALPHA-N-ACETYLGALACTOSAMINIDASE DEFICIENCY, TYPE I; NEUROAXONAL DYSTROPHY, SCHINDLER TYPE; NAGA DEFICIENCY, TYPE I. Identifiers: Orphanet 3137, Orphanet 79279, Orphanet 79281, MedGen C1836544, MONDO:0012221, OMIM 609241.
NAGA-related disorder. Also called: NAGA-related condition; NAGA-related disorders. Identifiers: MedGen CN378768.

Allele frequency attached by ClinVar (database versions not stated): TOPMed 0.00003; gnomAD 0.00004; gnomAD exomes 0.00005; ExAC 0.00008.
gnomAD v4.1: 83 of 1,614,048 alleles (0.0051%); highest among the groups gnomAD compares: Middle Eastern, 0.066%; no homozygotes.

Submissions (3):

Ambry Genetics
Classification: Uncertain significance for Inborn genetic diseases. Last evaluated: 2025-08-19. Review status: criteria provided, single submitter. Criteria: Ambry Variant Classification Scheme 2023. Collection method: clinical testing. Allele origin: germline.

Labcorp Genetics (formerly Invitae), Labcorp
Classification: Uncertain significance for Alpha-N-acetylgalactosaminidase deficiency type 1. Last evaluated: 2022-07-20. Review status: criteria provided, single submitter. Criteria: Invitae Variant Classification Sherloc (09022015). Collection method: clinical testing. Allele origin: germline.
Comment: This sequence change replaces proline, which is neutral and non-polar, with serine, which is neutral and polar, at codon 309 of the NAGA protein (p.Pro309Ser). This variant is present in population databases (rs760857039, gnomAD 0.02%). This variant has not been reported in the literature in individuals affected with NAGA-related conditions. Algorithms developed to predict the effect of missense changes on protein structure and function (SIFT, PolyPhen-2, Align-GVGD) all suggest that this variant is likely to be tolerated. In summary, the available evidence is currently insufficient to determine the role of this variant in disease. Therefore, it has been classified as a Variant of Uncertain Significance.

PreventionGenetics, part of Exact Sciences
Classification: Uncertain significance for NAGA-related condition. Last evaluated: 2024-03-28. Review status: no assertion criteria provided. Collection method: clinical testing. Allele origin: germline. Not counted in ClinVar's aggregate classification.
Comment: The NAGA c.925C>T variant is predicted to result in the amino acid substitution p.Pro309Ser. To our knowledge, this variant has not been reported in the literature. This variant is reported in 0.020% of alleles in individuals of South Asian descent in gnomAD. At this time, the clinical significance of this variant is uncertain due to the absence of conclusive functional and genetic evidence.

NM_000262.3(NAGA):c.925C>T (p.Pro309Ser)

Gene: NAGA (alpha-N-acetylgalactosaminidase; minus strand). Cytogenetic location: 22q13.2.
Variant type: single nucleotide variant.
Coding change: c.925C>T on transcript NM_000262.3 (MANE Select); coding-DNA position 925, C replaced by T.
Protein change: p.Pro309Ser; replaces proline 309 with serine.
Molecular consequence: missense variant.
Genome position (GRCh38, 1-based): chr22:42,062,859, G>A on the plus strand (C>T on the coding strand, the complement: NAGA is on the minus strand). VCF-style: chr22-42062859-G-A. GRCh37 (hg19) VCF-style: chr22-42458863-G-A.
Other names: c.925C>T, p.Pro309Ser (NM_001362848.1, NM_001362850.1); c.925C>T (NM_000262.2); short protein forms P309S.
Identifiers: ClinVar variation 2162906 (VCV002162906.5), dbSNP rs760857039, ClinGen allele CA10263654.